The following is an entry in ClinVar:

ClinVar aggregate classification (germline): Benign (0 of 4 stars; one submission).

Conditions:
PLXNB1-related disorder. Also called: PLXNB1-related condition.

Allele frequency attached by ClinVar (database versions not stated): ESP Exome Variant Server 0.00015; TOPMed 0.00027; gnomAD 0.00064; gnomAD exomes 0.00083; 1000 Genomes Project 0.00200; ExAC 0.00205; 1000 Genomes Project 30x 0.00219.
gnomAD v4.1: 1,319 of 1,611,182 alleles (0.082%); highest among the groups gnomAD compares: South Asian, 1.1%; 13 homozygotes.

Submission:

PreventionGenetics, part of Exact Sciences
Classification: Benign for PLXNB1-related condition. Last evaluated: 2019-08-26. Review status: no assertion criteria provided. Collection method: clinical testing. Allele origin: germline.
Comment: This variant is classified as benign based on ACMG/AMP sequence variant interpretation guidelines (Richards et al. 2015 PMID: 25741868, with internal and published modifications).

NM_001130082.3(PLXNB1):c.2560G>A (p.Glu854Lys)

Gene: PLXNB1 (plexin B1; minus strand). Cytogenetic location: 3p21.31.
Variant type: single nucleotide variant.
Coding change: c.2560G>A on transcript NM_001130082.3 (MANE Select); coding-DNA position 2560, G replaced by A.
Protein change: p.Glu854Lys; replaces glutamic acid 854 with lysine.
Molecular consequence: missense variant.
Genome position (GRCh38, 1-based): chr3:48,419,726, C>T on the plus strand (G>A on the coding strand, the complement: PLXNB1 is on the minus strand). VCF-style: chr3-48419726-C-T. GRCh37 (hg19) VCF-style: chr3-48461135-C-T.
Other names: c.2560G>A, p.Glu854Lys (NM_002673.6); short protein forms E854K.
Identifiers: ClinVar variation 3052376 (VCV003052376.2), dbSNP rs151201859, ClinGen allele CA2374793.